The following is an entry in ClinVar:

ClinVar aggregate classification (germline): Likely pathogenic (0 of 4 stars; one submission).

Conditions:
LTBP3-related disorder. Also called: LTBP3-related condition.

Submission:

PreventionGenetics, part of Exact Sciences
Classification: Likely pathogenic for LTBP3-related condition. Last evaluated: 2024-01-26. Review status: no assertion criteria provided. Collection method: clinical testing. Allele origin: germline.
Comment: The LTBP3 c.3393_3403dup11 variant is predicted to result in a frameshift and premature protein termination (p.Arg1135Profs*94). To our knowledge, this variant has not been reported in the literature or in a large population database, indicating this variant is rare. Frameshift variants in LTBP3 are expected to be pathogenic. This variant is interpreted as likely pathogenic.

NM_001130144.3(LTBP3):c.3393_3403dup (p.Arg1135fs)

Gene: LTBP3 (latent transforming growth factor beta binding protein 3; minus strand). Cytogenetic location: 11q13.1.
Variant type: Duplication.
Coding change: c.3393_3403dup on transcript NM_001130144.3 (MANE Select); coding-DNA positions 3393 to 3403, 11 bases duplicated (CCCGGAGCGGC).
Protein change: p.Arg1135fs; shifts the reading frame from arginine 1135.
Molecular consequence: frameshift variant.
Genome position (GRCh38, 1-based): chr11:65,539,864-65,539,874, GCCGCTCCGGG duplicated on the plus strand (CCCGGAGCGGC on the coding strand, the reverse complement: LTBP3 is on the minus strand); duplicating any 11 consecutive bases within chr11:65,539,864-65,539,876 gives the same sequence; the c. name uses the placement nearest the transcript's 3' end. VCF-style (leftmost placement, unchanged base first): chr11-65539863-C-CGCCGCTCCGGG. GRCh37 (hg19) VCF-style: chr11-65307334-C-CGCCGCTCCGGG.
Other names: c.2901_2911dup, p.Arg971fs (NM_001164266.1); c.3252_3262dup, p.Arg1088fs (NM_021070.4); short protein forms R1088fs, R1135fs, R971fs.
Identifiers: ClinVar variation 3061366 (VCV003061366.2), dbSNP rs2496117212, ClinGen allele CA2740093062.